The following is an entry in ClinVar:

ClinVar aggregate classification (germline): Uncertain significance. Review status: criteria provided, multiple submitters, no conflicts (2 of 4 stars). 4 submissions from 4 submitters: Uncertain significance (4). Last evaluated 2026-02-04.

Conditions:
TTN-related disorder. Also called: TTN-related disorders; TTN-related condition; TTN-related disease.
Dilated cardiomyopathy 1G (CMD1G). Identifiers: Orphanet 154, MedGen C1858763, MONDO:0011400, OMIM 604145.
Autosomal recessive limb-girdle muscular dystrophy type 2J (LGMDR10). Also called: MUSCULAR DYSTROPHY, LIMB-GIRDLE, AUTOSOMAL RECESSIVE 10; Limb-girdle muscular dystrophy, type 2J. Identifiers: Orphanet 140922, MedGen C1837342, MONDO:0012127, OMIM 608807.

Allele frequency attached by ClinVar (database versions not stated): ExAC 0.00003; gnomAD exomes 0.00004.
gnomAD v4.1: 42 of 1,609,844 alleles (0.0026%); highest among the groups gnomAD compares: Admixed American, 0.0083%; no homozygotes.

Submissions (4):

Labcorp Genetics (formerly Invitae), Labcorp
Classification: Uncertain significance for Dilated cardiomyopathy 1G; Autosomal recessive limb-girdle muscular dystrophy type 2J. Last evaluated: 2026-02-04. Review status: criteria provided, single submitter. Criteria: Invitae Variant Classification Sherloc (09022015). Collection method: clinical testing. Allele origin: germline.
Comment: This sequence change replaces arginine, which is basic and polar, with cysteine, which is neutral and slightly polar, at codon 33903 of the TTN protein (p.Arg33903Cys). This variant is present in population databases (rs772574722, gnomAD 0.01%). This variant has not been reported in the literature in individuals affected with TTN-related conditions. ClinVar contains an entry for this variant (Variation ID: 1039616). Experimental studies and prediction algorithms are not available or were not evaluated, and the functional significance of this variant is currently unknown. This variant is located in the M band of TTN (PMID: 25589632). Non-truncating variants in this region may be relevant for neuromuscular disorders, but have not been definitively shown to cause cardiomyopathy (PMID: 23975875). In summary, the available evidence is currently insufficient to determine the role of this variant in disease. Therefore, it has been classified as a Variant of Uncertain Significance.

PreventionGenetics, part of Exact Sciences
Classification: Uncertain significance for TTN-related condition. Last evaluated: 2026-02-04. Review status: criteria provided, single submitter. Criteria: ACMG Guidelines, 2015. Collection method: clinical testing. Allele origin: germline.
Comment: The TTN c.101707C>T variant is predicted to result in the amino acid substitution p.Arg33903Cys. To our knowledge, this variant has not been reported in the literature. This variant is reported in 0.012% of alleles in individuals of African descent in gnomAD. At this time, the clinical significance of this variant is uncertain due to the absence of conclusive functional and genetic evidence.

CeGaT Center for Human Genetics Tuebingen
Classification: Uncertain significance. Last evaluated: 2024-05-01. Review status: criteria provided, single submitter. Criteria: CeGaT Center For Human Genetics Tuebingen Variant Classification Criteria Version 2. Collection method: clinical testing. Allele origin: germline. Affected: yes. Observed: 1 variant allele.
Comment: TTN: PM2

Revvity Omics, Revvity
Classification: Uncertain significance. Last evaluated: 2019-07-11. Review status: criteria provided, single submitter. Criteria: ACMG Guidelines, 2015. Collection method: clinical testing. Allele origin: germline.

Literature cited by the submitters: PubMed 25589632 (cited by Labcorp Genetics (formerly Invitae), Labcorp); PubMed 23975875 (cited by Labcorp Genetics (formerly Invitae), Labcorp).

NM_001267550.2(TTN):c.101707C>T (p.Arg33903Cys)

Genes: TTN (titin; minus strand), TTN-AS1 (TTN antisense RNA 1; plus strand). Cytogenetic location: 2q31.2.
Variant type: single nucleotide variant.
Coding change: c.101707C>T on transcript NM_001267550.2 (MANE Select); coding-DNA position 101707, C replaced by T.
Protein change: p.Arg33903Cys; replaces arginine 33903 with cysteine.
Molecular consequence: missense variant.
Genome position (GRCh38, 1-based): chr2:178,534,908, G>A on the plus strand (C>T on the coding strand, the complement: TTN is on the minus strand). VCF-style: chr2-178534908-G-A. GRCh37 (hg19) VCF-style: chr2-179399635-G-A.
Other names: c.96784C>T, p.Arg32262Cys (NM_001256850.1); c.74512C>T, p.Arg24838Cys (NM_003319.4); c.94003C>T, p.Arg31335Cys (NM_133378.4); c.74887C>T, p.Arg24963Cys (NM_133432.3); c.75088C>T, p.Arg25030Cys (NM_133437.4); short protein forms R25030C, R31335C, R33903C, R24838C, R24963C, R32262C.
Identifiers: ClinVar variation 1039616 (VCV001039616.30), dbSNP rs772574722, ClinGen allele CA1985848.